The following is an entry in ClinVar:

ClinVar aggregate classification (germline): Uncertain significance. Review status: criteria provided, multiple submitters, no conflicts (2 of 4 stars). 3 submissions from 3 submitters: Uncertain significance (3). Last evaluated 2025-05-31.

Conditions:
Cardiovascular phenotype. Identifiers: MedGen CN230736.

Allele frequency attached by ClinVar (database versions not stated): gnomAD exomes 0.00001; gnomAD 0.00003 and 0.00001; TOPMed 0.00001; 1000 Genomes Project 0.00020; 1000 Genomes Project 30x 0.00016.
gnomAD v4.1: 38 of 1,548,522 alleles (0.0025%); highest among the groups gnomAD compares: African/African-American, 0.031%; 2 homozygotes.

Submissions (3):

Ambry Genetics
Classification: Uncertain significance for Cardiovascular phenotype. Last evaluated: 2025-05-31. Review status: criteria provided, single submitter. Criteria: Ambry Variant Classification Scheme 2023. Collection method: clinical testing. Allele origin: germline.
Comment: The p.G466A variant (also known as c.1397G>C), located in coding exon 1 of the ZNF469 gene, results from a G to C substitution at nucleotide position 1397. The glycine at codon 466 is replaced by alanine, an amino acid with similar properties. This amino acid position is conserved. In addition, this alteration is predicted to be tolerated by in silico analysis. Since supporting evidence is limited at this time, the clinical significance of this alteration remains unclear.

Labcorp Genetics (formerly Invitae), Labcorp
Classification: Uncertain significance. Last evaluated: 2024-06-02. Review status: criteria provided, single submitter. Criteria: Invitae Variant Classification Sherloc (09022015). Collection method: clinical testing. Allele origin: germline.
Comment: This sequence change replaces glycine, which is neutral and non-polar, with alanine, which is neutral and non-polar, at codon 466 of the ZNF469 protein (p.Gly466Ala). This variant is present in population databases (rs572830358, gnomAD no frequency). This variant has not been reported in the literature in individuals affected with ZNF469-related conditions. ClinVar contains an entry for this variant (Variation ID: 1341624). Algorithms developed to predict the effect of missense changes on protein structure and function output the following: SIFT: "Not Available"; PolyPhen-2: "Benign"; Align-GVGD: "Not Available". The alanine amino acid residue is found in multiple mammalian species, which suggests that this missense change does not adversely affect protein function. In summary, the available evidence is currently insufficient to determine the role of this variant in disease. Therefore, it has been classified as a Variant of Uncertain Significance.

GeneDx
Classification: Uncertain significance. Last evaluated: 2022-02-07. Review status: criteria provided, single submitter. Criteria: GeneDx Variant Classification Process June 2021. Collection method: clinical testing. Allele origin: germline. Affected: yes.
Comment: Has not been previously published as pathogenic or benign to our knowledge; Not observed at a significant frequency in large population cohorts (gnomAD); In silico analysis supports that this missense variant does not alter protein structure/function

NM_001367624.2(ZNF469):c.1397G>C (p.Gly466Ala)

Gene: ZNF469 (zinc finger protein 469; plus strand). Cytogenetic location: 16q24.2.
Variant type: single nucleotide variant.
Coding change: c.1397G>C on transcript NM_001367624.2 (MANE Select); coding-DNA position 1397, G replaced by C.
Protein change: p.Gly466Ala; replaces glycine 466 with alanine.
Molecular consequence: missense variant.
Genome position (GRCh38, 1-based): chr16:88,428,867, G>C. VCF-style: chr16-88428867-G-C. GRCh37 (hg19) VCF-style: chr16-88495275-G-C.
Other names: NM_001127464.1:c.1397G>C; short protein forms G466A.
Identifiers: ClinVar variation 1341624 (VCV001341624.7), dbSNP rs572830358, ClinGen allele CA286372647.